The following is an entry in ClinVar:

NM_020207.7(ERCC6L2):c.106G>A (p.Glu36Lys)

Gene: ERCC6L2 (ERCC excision repair 6 like 2; plus strand). Cytogenetic location: 9q22.32.
Variant type: single nucleotide variant.
Coding change: c.106G>A on transcript NM_020207.7 (MANE Select); coding-DNA position 106, G replaced by A.
Protein change: p.Glu36Lys; replaces glutamic acid 36 with lysine.
Molecular consequence: missense variant. On other transcripts: non-coding transcript variant (1).
Genome position (GRCh38, 1-based): chr9:95,880,928, G>A. VCF-style: chr9-95880928-G-A. GRCh37 (hg19) VCF-style: chr9-98643210-G-A.
Other names: c.106G>A, p.Glu36Lys (NM_001010895.4, NM_001375291.1, NM_001375292.1 and 2 more transcripts); short protein forms E36K.
Identifiers: ClinVar variation 3509997 (VCV003509997.1).
Genomic context (GRCh38, chr9:95,880,928, plus strand): 5'-GACATATGGCATCCAGGAGAAAGATGTCTTGCCCCTTCTCCAGATAATGGAAAACTTTGT[G>A]AAGCAAGCATAAAATCTATCACAGTGGATGAAAATGGCAAGTCATTTGCAGTCGTCTTAT-3'
Protein context (NP_064592.3, residues 26-46): APSPDNGKLC[Glu36Lys]ASIKSITVDE

ClinVar aggregate classification (germline): Uncertain significance (1 of 4 stars; one submission).

Conditions:
Inborn genetic diseases. Identifiers: MedGen C0950123, MeSH D030342.

gnomAD v4.1: 4 of 1,613,810 alleles (0.00025%); highest among the groups gnomAD compares: Admixed American, 0.0017%; no homozygotes.

Submission:

Ambry Genetics
Classification: Uncertain significance for Inborn genetic diseases. Last evaluated: 2024-11-28. Review status: criteria provided, single submitter. Criteria: Ambry Variant Classification Scheme 2023. Collection method: clinical testing. Allele origin: germline.
Comment: The p.E36K variant (also known as c.106G>A), located in coding exon 2 of the ERCC6L2 gene, results from a G to A substitution at nucleotide position 106. The glutamic acid at codon 36 is replaced by lysine, an amino acid with similar properties. This amino acid position is conserved. In addition, this alteration is predicted to be deleterious by in silico analysis. Based on the available evidence, the clinical significance of this variant remains unclear.